The following is an entry in ClinVar:

NM_032756.4(HPDL):c.918G>A (p.Leu306=)

Genes: HPDL (4-hydroxyphenylpyruvate dioxygenase like; plus strand), LOC129930440 (ATAC-STARR-seq lymphoblastoid active region 965; plus strand). Cytogenetic location: 1p34.1.
Variant type: single nucleotide variant.
Coding change: c.918G>A on transcript NM_032756.4 (MANE Select); coding-DNA position 918, G replaced by A.
Protein change: p.Leu306=; no amino-acid change (leucine 306 retained).
Molecular consequence: synonymous variant.
Genome position (GRCh38, 1-based): chr1:45,328,066, G>A. VCF-style: chr1-45328066-G-A. GRCh37 (hg19) VCF-style: chr1-45793738-G-A.
Identifiers: ClinVar variation 4823333 (VCV004823333.4).

ClinVar aggregate classification (germline): Likely benign (1 of 4 stars; one submission).

Submission:

CeGaT Center for Human Genetics Tuebingen
Classification: Likely benign. Last evaluated: 2026-02-01. Review status: criteria provided, single submitter. Criteria: CeGaT Center For Human Genetics Tuebingen Variant Classification Criteria Version 2. Collection method: clinical testing. Allele origin: germline. Affected: yes. Observed: 1 variant allele.
Comment: HPDL: PM2:Supporting, BP4, BP7